The following is an entry in ClinVar:

ClinVar aggregate classification (germline): Conflicting classifications of pathogenicity. Review status: criteria provided, conflicting classifications (1 of 4 stars). 5 submissions from 5 submitters: Likely pathogenic (2); Uncertain significance (1). 2 of the submissions do not count toward it. Last evaluated 2025-08-18.

Conditions:
Muscular dystrophy, congenital hearing loss, and ovarian insufficiency syndrome. Identifiers: MedGen C5561980, MONDO:0859189, OMIM 619518.
Premature menopause. Identifiers: MedGen C0025322, MONDO:0001119.
Sensorineural hearing loss disorder. Also called: Sensorineural hearing impairment; Sensorineural Deafness; Sensorineural hearing loss. Identifiers: MedGen C0018784, MeSH D006319, MONDO:0020678, HP:0000407.
Myopathy. Identifiers: MedGen C0026848, MeSH D009135, MONDO:0005336, HP:0003198.

Allele frequency attached by ClinVar (database versions not stated): gnomAD exomes 0.00001 and 0.00002; TOPMed 0.00005; gnomAD 0.00008 and 0.00007.

Submissions (5):

3billion
Classification: Likely pathogenic for Muscular dystrophy, congenital hearing loss, and ovarian insufficiency syndrome. Last evaluated: 2025-08-18. Review status: criteria provided, single submitter. Criteria: ACMG Guidelines, 2015. Collection method: clinical testing. Allele origin: germline. Affected: yes.
Comment: The variant is observed at an extremely low frequency in the gnomAD v4.1.0 dataset (total allele frequency: 0.002%). Predicted Consequence/Location: Missense variant Functional studies provide moderate evidence of the variant having a damaging effect on the gene or gene product (PMID: 32403198). In silico tool predictions suggest no damaging effect of the variant on gene or gene product [REVEL: 0.21 (<0.4); 3Cnet: 0.00 (<0.1, specificity 0.84 and negative predicitive value 0.97)]. The same nucleotide change resulting in the same amino acid change has been previously reported to be associated with GGPS1-related disorder (ClinVar ID: VCV000869200 /PMID: 32403198 /3billion dataset).A different missense change at the same codon (p.Arg261Gly) has been reported to be associated with GGPS1-related disorder (ClinVar ID: VCV001232301 /PMID: 32403198). Therefore, this variant is classified as Likely pathogenic according to the recommendation of ACMG/AMP guideline.

First Genomix Gene Laboratory, Genetic Diagnostics Department
Classification: Likely pathogenic for Muscular dystrophy, congenital hearing loss, and ovarian insufficiency syndrome. Last evaluated: 2025-01-22. Review status: criteria provided, single submitter. Criteria: ACMG Guidelines, 2015. Collection method: clinical testing. Allele origin: germline. Inheritance: Autosomal recessive inheritance. Affected: no. Observed: 1 variant allele.

GeneDx
Classification: Uncertain significance. Last evaluated: 2024-10-07. Review status: criteria provided, single submitter. Criteria: GeneDx Variant Classification Process June 2021. Collection method: clinical testing. Allele origin: germline. Affected: yes.
Comment: Published functional studies suggest a damaging effect due to impaired enzyme activity (PMID: 32403198); In silico analysis supports that this missense variant has a deleterious effect on protein structure/function; Also known as c.866G>A; This variant is associated with the following publications: (PMID: 32403198, 32399598)

OMIM
Classification: Pathogenic for MUSCULAR DYSTROPHY, CONGENITAL HEARING LOSS, AND OVARIAN INSUFFICIENCY SYNDROME. Last evaluated: 2021-09-08. Review status: no assertion criteria provided. Collection method: literature only. Allele origin: germline. Not counted in ClinVar's aggregate classification.

Reproductive Development, Murdoch Childrens Research Institute
Classification: Uncertain significance for Premature ovarian insufficiency; Sensorineural hearing loss disorder; Myopathy. Last evaluated: 2019-10-21. Review status: no assertion criteria provided. Criteria: ACMG Guidelines, 2015. Collection method: research. Allele origin: germline. Affected: yes. Not counted in ClinVar's aggregate classification.

Literature cited by the submitters: PubMed 32403198 (cited by 3billion and OMIM).

NM_004837.4(GGPS1):c.782G>A (p.Arg261His)

Gene: GGPS1 (geranylgeranyl diphosphate synthase 1; plus strand). Cytogenetic location: 1q42.3.
Variant type: single nucleotide variant.
Coding change: c.782G>A on transcript NM_004837.4 (MANE Select); coding-DNA position 782, G replaced by A.
Protein change: p.Arg261His; replaces arginine 261 with histidine.
Molecular consequence: missense variant.
Genome position (GRCh38, 1-based): chr1:235,342,651, G>A. VCF-style: chr1-235342651-G-A. GRCh37 (hg19) VCF-style: chr1-235505966-G-A.
Other names: c.866G>A (NM_001037277.1); c.782G>A, p.Arg261His (NM_001037277.1, NM_001371477.1, NM_001371478.1); c.620G>A, p.Arg207His (NM_001037278.2); short protein forms R207H, R261H.
Identifiers: ClinVar variation 869200 (VCV000869200.7), dbSNP rs1262402879, ClinGen allele CA344975674.